The following is an entry in ClinVar:

ClinVar aggregate classification (germline): Uncertain significance (1 of 4 stars; one submission).

Conditions:
Myofibrillar myopathy 4. Also called: Zaspopathy (type). Identifiers: Orphanet 98912, MedGen C4721886, MONDO:0012277, OMIM 609452.

Submission:

Labcorp Genetics (formerly Invitae), Labcorp
Classification: Uncertain significance for Myofibrillar myopathy 4. Last evaluated: 2022-06-15. Review status: criteria provided, single submitter. Criteria: Invitae Variant Classification Sherloc (09022015). Collection method: clinical testing. Allele origin: germline.
Comment: In summary, the available evidence is currently insufficient to determine the role of this variant in disease. Therefore, it has been classified as a Variant of Uncertain Significance. Algorithms developed to predict the effect of missense changes on protein structure and function are either unavailable or do not agree on the potential impact of this missense change (SIFT: "Deleterious"; PolyPhen-2: "Benign"; Align-GVGD: "Class C0"). This variant has not been reported in the literature in individuals affected with LDB3-related conditions. This variant is not present in population databases (gnomAD no frequency). This sequence change replaces glutamine, which is neutral and polar, with lysine, which is basic and polar, at codon 277 of the LDB3 protein (p.Gln277Lys).

NM_001368067.1(LDB3):c.829C>A (p.Gln277Lys)

Gene: LDB3 (LIM domain binding 3; plus strand). Cytogenetic location: 10q23.2.
Variant type: single nucleotide variant.
Coding change: c.829C>A on transcript NM_001368067.1 (MANE Plus Clinical); coding-DNA position 829, C replaced by A.
Protein change: p.Gln277Lys; replaces glutamine 277 with lysine.
Molecular consequence: missense variant. On other transcripts: intron variant (6).
Genome position (GRCh38, 1-based): chr10:86,699,351, C>A. VCF-style: chr10-86699351-C-A. GRCh37 (hg19) VCF-style: chr10-88459108-C-A.
Other names: c.970C>A, p.Gln324Lys (NM_001080115.2, NM_001368063.1); c.829C>A, p.Gln277Lys (NM_001080116.1, NM_001368068.1); c.1174C>A, p.Gln392Lys (NM_001171611.2); c.896+6780C>A (NM_001368064.1, NM_007078.3, NM_001368065.1); c.1100+6780C>A (NM_001171610.2); c.755+6780C>A (NM_001368066.1, NM_001080114.2); short protein forms Q277K, Q324K, Q392K.
Identifiers: ClinVar variation 2006837 (VCV002006837.4), dbSNP rs2492729473, ClinGen allele CA377445231.